The following is an entry in ClinVar:

NM_001164508.2(NEB):c.23937C>G (p.Tyr7979Ter)

Genes: NEB (nebulin; minus strand), RIF1 (replication timing regulatory factor 1; plus strand). Cytogenetic location: 2q23.3.
Variant type: single nucleotide variant.
Coding change: c.23937C>G on transcript NM_001164508.2 (MANE Select); coding-DNA position 23937, C replaced by G.
Protein change: p.Tyr7979Ter; replaces tyrosine 7979 with a stop codon.
Molecular consequence: nonsense. On other transcripts: intron variant (1).
Genome position (GRCh38, 1-based): chr2:151,501,475, G>C on the plus strand (C>G on the coding strand, the complement: NEB is on the minus strand). VCF-style: chr2-151501475-G-C. GRCh37 (hg19) VCF-style: chr2-152357989-G-C.
Other names: p.Tyr8014*; c.23937C>G, p.Tyr7979Ter (NM_001164507.2); c.24042C>G, p.Tyr8014Ter (NM_001271208.2); c.18825+1318C>G (NM_004543.5); short protein forms Y8014*, Y7979*.
Identifiers: ClinVar variation 554273 (VCV000554273.13), dbSNP rs779173742, ClinGen allele CA348780744.

ClinVar aggregate classification (germline): Pathogenic/Likely pathogenic. Review status: criteria provided, multiple submitters, no conflicts (2 of 4 stars). 4 submissions from 4 submitters: Pathogenic (2); Likely pathogenic (1). 1 of the submissions does not count toward it. Last evaluated 2024-01-29.

Conditions:
Nemaline myopathy. Also called: Myopathies, Nemaline. Identifiers: Orphanet 607, MedGen C0206157, MONDO:0018958.
Nemaline myopathy 2 (NEM2). Also called: Nemaline myopathy 2, autosomal recessive. Identifiers: MedGen C1850569, MONDO:0009725, OMIM 256030.

Allele frequency attached by ClinVar (database versions not stated): TOPMed below 0.00001.

Submissions (4):

Women's Health and Genetics/Laboratory Corporation of America, LabCorp
Classification: Pathogenic for Nemaline myopathy. Last evaluated: 2024-01-29. Review status: criteria provided, single submitter. Criteria: LabCorp Variant Classification Summary - May 2015. Collection method: clinical testing. Allele origin: germline.
Comment: Variant summary: NEB c.24042C>G (p.Tyr8014X) results in a premature termination codon, predicted to cause a truncation of the encoded protein or absence of the protein due to nonsense mediated decay, which are commonly known mechanisms for disease. The variant was absent in 146114 control chromosomes (gnomAD). To our knowledge, no occurrence of c.24042C>G in individuals affected with Nemaline Myopathy 2 and no experimental evidence demonstrating its impact on protein function have been reported. ClinVar contains an entry for this variant (Variation ID: 554273). Based on the evidence outlined above, the variant was classified as pathogenic.

Mayo Clinic Laboratories, Mayo Clinic
Classification: Likely pathogenic. Last evaluated: 2023-06-28. Review status: criteria provided, single submitter. Criteria: ACMG Guidelines, 2015. Collection method: clinical testing. Allele origin: germline. Observed: 1 variant allele.
Comment: PM2_moderate, PVS1

Labcorp Genetics (formerly Invitae), Labcorp
Classification: Pathogenic for Nemaline myopathy 2. Last evaluated: 2020-11-21. Review status: criteria provided, single submitter. Criteria: Invitae Variant Classification Sherloc (09022015). Collection method: clinical testing. Allele origin: germline.
Comment: This variant is not present in population databases (ExAC no frequency). This sequence change creates a premature translational stop signal (p.Tyr8014*) in the NEB gene. It is expected to result in an absent or disrupted protein product. Loss-of-function variants in NEB are known to be pathogenic (PMID: 25205138). This variant has not been reported in the literature in individuals with NEB-related conditions. ClinVar contains an entry for this variant (Variation ID: 554273). For these reasons, this variant has been classified as Pathogenic.

Counsyl
Classification: Uncertain significance for Nemaline myopathy 2. Last evaluated: 2017-10-11. Review status: flagged submission. Collection method: clinical testing. Allele origin: unknown. Not counted in ClinVar's aggregate classification.
ClinVar note: Reason: Older and outlier claim with insufficient supporting evidence

Literature cited by the submitters: PubMed 25205138 (cited by Labcorp Genetics (formerly Invitae), Labcorp).